The following is an entry in ClinVar:

NM_001267550.2(TTN):c.42371_42390del (p.Ala14124fs)

Gene: TTN (titin; minus strand). Cytogenetic location: 2q31.2.
Variant type: Deletion.
Coding change: c.42371_42390del on transcript NM_001267550.2 (MANE Select); coding-DNA positions 42371 to 42390, 20 bases deleted (CTGAGGTGGAGGGCAAGAAG).
Protein change: p.Ala14124fs; shifts the reading frame from alanine 14124.
Molecular consequence: frameshift variant.
Genome position (GRCh38, 1-based): chr2:178,634,391-178,634,410, CTTCTTGCCCTCCACCTCAG deleted on the plus strand (CTGAGGTGGAGGGCAAGAAG on the coding strand, the reverse complement: TTN is on the minus strand); deleting any 20 consecutive bases within chr2:178,634,391-178,634,411 gives the same sequence; the c. name uses the placement nearest the transcript's 3' end. VCF-style (leftmost placement, unchanged base first): chr2-178634390-TCTTCTTGCCCTCCACCTCAG-T. GRCh37 (hg19) VCF-style: chr2-179499117-TCTTCTTGCCCTCCACCTCAG-T.
Other names: c.37448_37467del, p.Ala12483fs (NM_001256850.1); c.15176_15195del, p.Ala5059fs (NM_003319.4); c.34667_34686del, p.Ala11556fs (NM_133378.4); c.15551_15570del, p.Ala5184fs (NM_133432.3); c.15752_15771del, p.Ala5251fs (NM_133437.4); short protein forms A11556fs, A12483fs, A14124fs, A5059fs, A5184fs, A5251fs.
Identifiers: ClinVar variation 3759070 (VCV003759070.2).

ClinVar aggregate classification (germline): Likely pathogenic (1 of 4 stars; one submission).

Conditions:
Dilated cardiomyopathy 1G (CMD1G). Identifiers: Orphanet 154, MedGen C1858763, MONDO:0011400, OMIM 604145.
Autosomal recessive limb-girdle muscular dystrophy type 2J (LGMDR10). Also called: Limb-girdle muscular dystrophy, type 2J; MUSCULAR DYSTROPHY, LIMB-GIRDLE, AUTOSOMAL RECESSIVE 10. Identifiers: Orphanet 140922, MedGen C1837342, MONDO:0012127, OMIM 608807.

Submission:

Labcorp Genetics (formerly Invitae), Labcorp
Classification: Likely pathogenic for Dilated cardiomyopathy 1G; Autosomal recessive limb-girdle muscular dystrophy type 2J. Last evaluated: 2026-01-19. Review status: criteria provided, single submitter. Criteria: Invitae Variant Classification Sherloc (09022015). Collection method: clinical testing. Allele origin: germline.
Comment: This sequence change creates a premature translational stop signal (p.Ala14124Aspfs*19) in the TTN gene. While this is not anticipated to result in nonsense mediated decay, it is expected to create a truncated TTN protein. This variant is not present in population databases (gnomAD no frequency). This variant has not been observed in the literature in individuals with autosomal recessive TTN-related conditions. This variant has been reported in individual(s) with TTN-related cardiomyopathy (PMID: 28798025; internal data); however, the role of the variant in this condition is currently unclear. ClinVar contains an entry for this variant (Variation ID: 3759070). This variant is located in the I band of TTN (PMID: 25589632). Truncating variants in this region have been reported in individuals affected with autosomal recessive centronuclear myopathy (PMID: 23975875, internal data). Truncating variants in this region have also been identified in individuals affected with autosomal dominant dilated cardiomyopathy and/or cardio-related conditions (PMID: 27869827, 32964742, internal data). In summary, the currently available evidence indicates that the variant is pathogenic, but additional data are needed to prove that conclusively. Therefore, this variant has been classified as Likely Pathogenic.

Literature cited by the submitters: PubMed 28798025; PubMed 25589632; PubMed 23975875; PubMed 27869827; PubMed 32964742.